The following is an entry in ClinVar:

NM_002640.4(SERPINB8):c.623C>T (p.Ala208Val)

Gene: SERPINB8 (serpin family B member 8; plus strand). Cytogenetic location: 18q22.1.
Variant type: single nucleotide variant.
Coding change: c.623C>T on transcript NM_002640.4 (MANE Select); coding-DNA position 623, C replaced by T.
Protein change: p.Ala208Val; replaces alanine 208 with valine.
Molecular consequence: missense variant. On other transcripts: non-coding transcript variant (1).
Genome position (GRCh38, 1-based): chr18:63,985,148, C>T. VCF-style: chr18-63985148-C-T. GRCh37 (hg19) VCF-style: chr18-61652382-C-T.
Other names: c.623C>T, p.Ala208Val (NM_001031848.2, NM_001348367.2, NM_001348368.2 and 3 more transcripts); c.77C>T, p.Ala26Val (NM_001276490.2); c.83C>T, p.Ala28Val (NM_001348370.2); short protein forms A208V, A26V, A28V.
Identifiers: ClinVar variation 3350466 (VCV003350466.1).

ClinVar aggregate classification (germline): Likely benign (0 of 4 stars; one submission).

Conditions:
SERPINB8-related disorder. Also called: SERPINB8-related condition.

gnomAD v4.1: 400 of 1,614,062 alleles (0.025%); highest among the groups gnomAD compares: African/African-American, 0.38%; no homozygotes.

Submission:

PreventionGenetics, part of Exact Sciences
Classification: Likely benign for SERPINB8-related condition. Last evaluated: 2024-07-23. Review status: no assertion criteria provided. Collection method: clinical testing. Allele origin: germline.
Comment: This variant is classified as likely benign based on ACMG/AMP sequence variant interpretation guidelines (Richards et al. 2015 PMID: 25741868, with internal and published modifications).